The following is an entry in ClinVar:

ClinVar aggregate classification (germline): Uncertain significance (1 of 4 stars; one submission).

Submission:

Labcorp Genetics (formerly Invitae), Labcorp
Classification: Uncertain significance. Last evaluated: 2024-07-08. Review status: criteria provided, single submitter. Criteria: Invitae Variant Classification Sherloc (09022015). Collection method: clinical testing. Allele origin: germline.
Comment: This sequence change replaces serine, which is neutral and polar, with asparagine, which is neutral and polar, at codon 83 of the NEUROG3 protein (p.Ser83Asn). This variant is not present in population databases (gnomAD no frequency). This variant has not been reported in the literature in individuals affected with NEUROG3-related conditions. Algorithms developed to predict the effect of missense changes on protein structure and function output the following: SIFT: "Not Available"; PolyPhen-2: "Benign"; Align-GVGD: "Not Available". The asparagine amino acid residue is found in multiple mammalian species, which suggests that this missense change does not adversely affect protein function. In summary, the available evidence is currently insufficient to determine the role of this variant in disease. Therefore, it has been classified as a Variant of Uncertain Significance.

NM_020999.4(NEUROG3):c.248G>A (p.Ser83Asn)

Gene: NEUROG3 (neurogenin 3; minus strand). Cytogenetic location: 10q22.1.
Variant type: single nucleotide variant.
Coding change: c.248G>A on transcript NM_020999.4 (MANE Select); coding-DNA position 248, G replaced by A.
Protein change: p.Ser83Asn; replaces serine 83 with asparagine.
Molecular consequence: missense variant.
Genome position (GRCh38, 1-based): chr10:69,572,796, C>T on the plus strand (G>A on the coding strand, the complement: NEUROG3 is on the minus strand). VCF-style: chr10-69572796-C-T. GRCh37 (hg19) VCF-style: chr10-71332552-C-T.
Other names: short protein forms S83N.
Identifiers: ClinVar variation 3717867 (VCV003717867.2).